The following is an entry in ClinVar:

NM_000264.5(PTCH1):c.4219G>A (p.Gly1407Ser)

Gene: PTCH1 (patched 1; minus strand). Cytogenetic location: 9q22.32.
Variant type: single nucleotide variant.
Coding change: c.4219G>A on transcript NM_000264.5 (MANE Select); coding-DNA position 4219, G replaced by A.
Protein change: p.Gly1407Ser; replaces glycine 1407 with serine.
Molecular consequence: missense variant. On other transcripts: non-coding transcript variant (1).
Genome position (GRCh38, 1-based): chr9:95,447,037, C>T on the plus strand (G>A on the coding strand, the complement: PTCH1 is on the minus strand). VCF-style: chr9-95447037-C-T. GRCh37 (hg19) VCF-style: chr9-98209319-C-T.
Other names: c.4021G>A, p.Gly1341Ser (NM_001083602.3); c.4216G>A, p.Gly1406Ser (NM_001083603.3); c.3766G>A, p.Gly1256Ser (NM_001083604.3, NM_001083605.3, NM_001083606.3 and 1 more transcripts); c.4063G>A, p.Gly1355Ser (NM_001354918.2); c.4219G>A (NM_000264.4); short protein forms G1341S, G1407S, G1355S, G1256S, G1406S.
Identifiers: ClinVar variation 135106 (VCV000135106.24), dbSNP rs56161606, ClinGen allele CA332163.

ClinVar aggregate classification (germline): Benign/Likely benign. Review status: criteria provided, multiple submitters, no conflicts (2 of 4 stars). 8 submissions from 8 submitters: Benign (3); Likely benign (4). 1 of the submissions does not count toward it. Last evaluated 2026-01-28.

Conditions:
Hereditary cancer-predisposing syndrome. Also called: Tumor predisposition; Hereditary neoplastic syndrome; Neoplastic Syndromes, Hereditary; Hereditary Cancer Syndrome. Identifiers: Orphanet 140162, MedGen C0027672, MeSH D009386, MONDO:0015356.
Gorlin syndrome. Also called: Nevoid Basal Cell Carcinoma Syndrome; Basal cell nevus syndrome. Identifiers: Orphanet 377, MedGen C0004779, MONDO:0007187.

Allele frequency attached by ClinVar (database versions not stated): gnomAD 0.00009 and 0.00011; gnomAD exomes 0.00010 and 0.00017; ExAC 0.00014; TOPMed 0.00017; ESP Exome Variant Server 0.00023; 1000 Genomes Project 30x 0.00031; 1000 Genomes Project 0.00040.

Submissions (8):

Labcorp Genetics (formerly Invitae), Labcorp
Classification: Benign for Gorlin syndrome. Last evaluated: 2026-01-28. Review status: criteria provided, single submitter. Criteria: Invitae Variant Classification Sherloc (09022015). Collection method: clinical testing. Allele origin: germline.

Center for Genomic Medicine, Rigshospitalet, Copenhagen University Hospital
Classification: Likely benign. Last evaluated: 2025-12-29. Review status: criteria provided, single submitter. Criteria: ACMG Guidelines, 2015. Collection method: clinical testing. Allele origin: germline.

Blueprint Genetics
Classification: Likely benign. Last evaluated: 2024-06-11. Review status: criteria provided, single submitter. Criteria: ACMG Guidelines, 2015. Collection method: clinical testing. Allele origin: germline.

Mendelics
Classification: Benign for Basal cell nevus syndrome 1. Last evaluated: 2023-08-22. Review status: criteria provided, single submitter. Criteria: Mendelics Assertion Criteria 2019. Collection method: clinical testing. Allele origin: germline.

Quest Diagnostics Nichols Institute San Juan Capistrano
Classification: Likely benign. Last evaluated: 2023-06-26. Review status: criteria provided, single submitter. Criteria: Quest Diagnostics criteria. Collection method: clinical testing. Allele origin: unknown.

Sema4
Classification: Benign for Hereditary cancer-predisposing syndrome. Last evaluated: 2022-01-04. Review status: criteria provided, single submitter. Criteria: Sema4 Curation Guidelines. Collection method: curation. Allele origin: germline.

Ambry Genetics
Classification: Likely benign for Hereditary cancer-predisposing syndrome. Last evaluated: 2018-05-16. Review status: criteria provided, single submitter. Criteria: Ambry Variant Classification Scheme 2023. Collection method: clinical testing. Allele origin: germline.

ITMI
No classification provided. Condition: AllHighlyPenetrant. Last evaluated: 2013-09-19. Review status: no classification provided. Collection method: reference population. Allele origin: germline. Not counted in ClinVar's aggregate classification.
Comment: Please see associated publication for description of ethnicities

Literature cited by the submitters: PubMed 24728327 (cited by ITMI).